The following is an entry in ClinVar:

NM_015662.3(IFT172):c.2158C>T (p.Arg720Cys)

Gene: IFT172 (intraflagellar transport 172; minus strand). Cytogenetic location: 2p23.3.
Variant type: single nucleotide variant.
Coding change: c.2158C>T on transcript NM_015662.3 (MANE Select); coding-DNA position 2158, C replaced by T.
Protein change: p.Arg720Cys; replaces arginine 720 with cysteine.
Molecular consequence: missense variant.
Genome position (GRCh38, 1-based): chr2:27,461,794, G>A on the plus strand (C>T on the coding strand, the complement: IFT172 is on the minus strand). VCF-style: chr2-27461794-G-A. GRCh37 (hg19) VCF-style: chr2-27684661-G-A.
Other names: c.2158C>T (NM_015662.1); short protein forms R720C.
Identifiers: ClinVar variation 942017 (VCV000942017.13), dbSNP rs147744868, ClinGen allele CA1580379.

ClinVar aggregate classification (germline): Conflicting classifications of pathogenicity. Review status: criteria provided, conflicting classifications (1 of 4 stars). 6 submissions from 6 submitters: Uncertain significance (2); Likely benign (3). 1 of the submissions does not count toward it. Last evaluated 2025-11-13.

Conditions:
Inborn genetic diseases. Identifiers: MedGen C0950123, MeSH D030342.
Short-rib thoracic dysplasia 10 with or without polydactyly (SRTD10). Identifiers: Orphanet 474, MedGen C3810175, MONDO:0014284, OMIM 615630.
Bardet-Biedl syndrome 20. Identifiers: MedGen C4310707, MONDO:0023670, OMIM 619471, MONDO:0014926.
Retinitis pigmentosa 71 (RP71). Identifiers: Orphanet 791, MedGen C4225342, MONDO:0014618, OMIM 616394.
IFT172-related disorder. Also called: IFT172-related disorders; IFT172-related condition.

Allele frequency attached by ClinVar (database versions not stated): gnomAD exomes 0.00003 and 0.00013; ExAC 0.00019; TOPMed 0.00036; gnomAD 0.00042 and 0.00046; ESP Exome Variant Server 0.00046.

Submissions (6):

Ambry Genetics
Classification: Likely benign for Inborn genetic diseases. Last evaluated: 2025-11-13. Review status: criteria provided, single submitter. Criteria: Ambry Variant Classification Scheme 2023. Collection method: clinical testing. Allele origin: germline.

Labcorp Genetics (formerly Invitae), Labcorp
Classification: Likely benign for Retinitis pigmentosa 71; Short-rib thoracic dysplasia 10 with or without polydactyly. Last evaluated: 2025-08-25. Review status: criteria provided, single submitter. Criteria: Invitae Variant Classification Sherloc (09022015). Collection method: clinical testing. Allele origin: germline.

Blueprint Genetics
Classification: Likely benign. Last evaluated: 2024-08-06. Review status: criteria provided, single submitter. Criteria: ACMG Guidelines, 2015. Collection method: clinical testing. Allele origin: germline.

New York Genome Center
Classification: Uncertain significance for Retinitis pigmentosa 71; Bardet-Biedl syndrome 20; Short-rib thoracic dysplasia 10 with or without polydactyly. Last evaluated: 2022-11-10. Review status: criteria provided, single submitter. Criteria: NYGC Assertion Criteria 2020. Collection method: clinical testing. Allele origin: germline. Observed: 1 heterozygote.

GeneDx
Classification: Uncertain significance. Last evaluated: 2019-06-25. Review status: criteria provided, single submitter. Criteria: GeneDx Variant Classification Process June 2021. Collection method: clinical testing. Allele origin: germline. Affected: yes.
Comment: In silico analysis, which includes protein predictors and evolutionary conservation, supports a deleterious effect; Has not been previously published as pathogenic or benign to our knowledge

PreventionGenetics, part of Exact Sciences
Classification: Likely benign for IFT172-related condition. Last evaluated: 2020-09-28. Review status: no assertion criteria provided. Collection method: clinical testing. Allele origin: germline. Not counted in ClinVar's aggregate classification.
Comment: This variant is classified as likely benign based on ACMG/AMP sequence variant interpretation guidelines (Richards et al. 2015 PMID: 25741868, with internal and published modifications).